The following is an entry in ClinVar:

NM_004655.4(AXIN2):c.929A>C (p.Asp310Ala)

Gene: AXIN2 (axin 2; minus strand). Cytogenetic location: 17q24.1.
Variant type: single nucleotide variant.
Coding change: c.929A>C on transcript NM_004655.4 (MANE Select); coding-DNA position 929, A replaced by C.
Protein change: p.Asp310Ala; replaces aspartic acid 310 with alanine.
Molecular consequence: missense variant.
Genome position (GRCh38, 1-based): chr17:65,549,547, T>G on the plus strand (A>C on the coding strand, the complement: AXIN2 is on the minus strand). VCF-style: chr17-65549547-T-G. GRCh37 (hg19) VCF-style: chr17-63545665-T-G.
Other names: c.929A>C, p.Asp310Ala (NM_001363813.1); short protein forms D310A.
Identifiers: ClinVar variation 823144 (VCV000823144.15), dbSNP rs1598110348, ClinGen allele CA400679475.
Genomic context (GRCh38, chr17:65,549,547, plus strand): 5'-GCAAGCCCACGGAAGGGTGGCCAGGATACTCACACACTGCTGTCCGTCATGGACATGGAA[T>G]CATCCGTCAGCGCATCACTGGATATCTCACTGTCGTTGGCGCTGGTGGCTGGTGCAAAGA-3'
Protein context (NP_004646.3, residues 300-320): SEISSDALTD[Asp310Ala]SMSMTDSSVD

ClinVar aggregate classification (germline): Uncertain significance. Review status: criteria provided, multiple submitters, no conflicts (2 of 4 stars). 3 submissions from 3 submitters: Uncertain significance (3). Last evaluated 2025-01-08.

Conditions:
Hereditary cancer-predisposing syndrome. Also called: Tumor predisposition; Hereditary Cancer Syndrome; Neoplastic Syndromes, Hereditary; Hereditary neoplastic syndrome. Identifiers: Orphanet 140162, MedGen C0027672, MeSH D009386, MONDO:0015356.
Oligodontia-cancer predisposition syndrome. Also called: TOOTH AGENESIS-COLORECTAL CANCER SYNDROME. Identifiers: Orphanet 300576, MedGen C1837750, MONDO:0012075, OMIM 608615. Disease mechanism: loss of function.

Submissions (3):

Ambry Genetics
Classification: Uncertain significance for Hereditary cancer-predisposing syndrome. Last evaluated: 2025-01-08. Review status: criteria provided, single submitter. Criteria: Ambry Variant Classification Scheme 2023. Collection method: clinical testing. Allele origin: germline.
Comment: The p.D310A variant (also known as c.929A>C), located in coding exon 2 of the AXIN2 gene, results from an A to C substitution at nucleotide position 929. The aspartic acid at codon 310 is replaced by alanine, an amino acid with dissimilar properties. This amino acid position is highly conserved in available vertebrate species. In addition, this alteration is predicted to be deleterious by in silico analysis. Based on the available evidence, the clinical significance of this variant remains unclear.

Labcorp Genetics (formerly Invitae), Labcorp
Classification: Uncertain significance for Oligodontia-cancer predisposition syndrome. Last evaluated: 2024-10-03. Review status: criteria provided, single submitter. Criteria: Invitae Variant Classification Sherloc (09022015). Collection method: clinical testing. Allele origin: germline.
Comment: This sequence change replaces aspartic acid, which is acidic and polar, with alanine, which is neutral and non-polar, at codon 310 of the AXIN2 protein (p.Asp310Ala). This variant is not present in population databases (gnomAD no frequency). This variant has not been reported in the literature in individuals affected with AXIN2-related conditions. ClinVar contains an entry for this variant (Variation ID: 823144). Invitae Evidence Modeling of protein sequence and biophysical properties (such as structural, functional, and spatial information, amino acid conservation, physicochemical variation, residue mobility, and thermodynamic stability) indicates that this missense variant is expected to disrupt AXIN2 protein function with a positive predictive value of 80%. In summary, the available evidence is currently insufficient to determine the role of this variant in disease. Therefore, it has been classified as a Variant of Uncertain Significance.

GeneDx
Classification: Uncertain significance. Last evaluated: 2023-01-09. Review status: criteria provided, single submitter. Criteria: GeneDx Variant Classification Process June 2021. Collection method: clinical testing. Allele origin: germline. Affected: yes.
Comment: Not observed at significant frequency in large population cohorts (gnomAD); In silico analysis supports that this missense variant has a deleterious effect on protein structure/function; Has not been previously published as pathogenic or benign to our knowledge